The following is an entry in ClinVar:

ClinVar aggregate classification (germline): Likely benign. Review status: criteria provided, multiple submitters, no conflicts (2 of 4 stars). 5 submissions from 5 submitters: Likely benign (3). 2 of the submissions do not count toward it. Last evaluated 2025-12-16.

Conditions:
Brugada syndrome. Also called: Sudden unexpected nocturnal death syndrome; Sudden unexplained nocturnal death syndrome; Sudden Unexplained Death Syndrome; Sudden Unexplained Nocturnal Death Syndrome (SUNDS). Identifiers: Orphanet 130, MedGen C1142166, MONDO:0015263.

Allele frequency attached by ClinVar (database versions not stated): ExAC 0.00013; TOPMed 0.00014; gnomAD exomes 0.00015 and 0.00020; gnomAD 0.00019; ESP Exome Variant Server 0.00031.
gnomAD v4.1: 252 of 1,312,054 alleles (0.019%); highest among the groups gnomAD compares: Non-Finnish European, 0.026%; 1 homozygote.

Submissions (5):

Labcorp Genetics (formerly Invitae), Labcorp
Classification: Likely benign for Brugada syndrome. Last evaluated: 2025-12-16. Review status: criteria provided, single submitter. Criteria: Invitae Variant Classification Sherloc (09022015). Collection method: clinical testing. Allele origin: germline.

Blueprint Genetics
Classification: Likely benign. Last evaluated: 2024-09-14. Review status: criteria provided, single submitter. Criteria: ACMG Guidelines, 2015. Collection method: clinical testing. Allele origin: germline.

GeneDx
Classification: Likely benign. Last evaluated: 2016-12-07. Review status: criteria provided, single submitter. Criteria: GeneDx Variant Classification (06012015). Collection method: clinical testing. Allele origin: germline. Affected: yes.
Comment: This variant is considered likely benign or benign based on one or more of the following criteria: it is a conservative change, it occurs at a poorly conserved position in the protein, it is predicted to be benign by multiple in silico algorithms, and/or has population frequency not consistent with disease.

Clinical Genetics, Academic Medical Center
Classification: Benign. Review status: no assertion criteria provided. Collection method: clinical testing. Allele origin: germline. Affected: yes. Study: VKGL Data-share Consensus. Not counted in ClinVar's aggregate classification.

Joint Genome Diagnostic Labs from Nijmegen and Maastricht, Radboudumc and MUMC+
Classification: Likely benign. Review status: no assertion criteria provided. Collection method: clinical testing. Allele origin: germline. Affected: yes. Study: VKGL Data-share Consensus. Not counted in ClinVar's aggregate classification.

NM_000722.4(CACNA2D1):c.1735-17G>A

Gene: CACNA2D1 (calcium voltage-gated channel auxiliary subunit alpha2delta 1; minus strand). Cytogenetic location: 7q21.11.
Variant type: single nucleotide variant.
Coding change: c.1735-17G>A on transcript NM_000722.4 (MANE Select); 17 bases into the intron before coding-DNA position 1735, G replaced by A.
Molecular consequence: intron variant.
Genome position (GRCh38, 1-based): chr7:81,991,263, C>T on the plus strand (G>A on the coding strand, the complement: CACNA2D1 is on the minus strand). VCF-style: chr7-81991263-C-T. GRCh37 (hg19) VCF-style: chr7-81620579-C-T.
Other names: c.1735-17G>A (LRG_437t1); c.1792-17G>A (NM_001366867.1).
Identifiers: ClinVar variation 391441 (VCV000391441.13), dbSNP rs367841992, ClinGen allele CA4317919.